The following is an entry in ClinVar:

ClinVar aggregate classification (germline): Uncertain significance. Review status: criteria provided, multiple submitters, no conflicts (2 of 4 stars). 2 submissions from 2 submitters: Uncertain significance (2). Last evaluated 2026-05-05.

Conditions:
Cardiovascular phenotype. Identifiers: MedGen CN230736.
Hereditary cancer-predisposing syndrome. Also called: Hereditary Cancer Syndrome; Neoplastic Syndromes, Hereditary; Tumor predisposition; Hereditary neoplastic syndrome. Identifiers: Orphanet 140162, MedGen C0027672, MeSH D009386, MONDO:0015356.
Neurofibromatosis, type 1 (NF1). Also called: Peripheral type neurofibromatosis; VON RECKLINGHAUSEN DISEASE; Neurofibromatosis, type I; NEUROFIBROMATOSIS, TYPE I, SOMATIC. Identifiers: Orphanet 636, MedGen C0027831, MONDO:0018975, OMIM 162200. Disease mechanism: loss of function.

Allele frequency attached by ClinVar (database versions not stated): gnomAD exomes below 0.00001.
gnomAD v4.1: 1 of 1,614,136 alleles (0.000062%); highest among the groups gnomAD compares: Admixed American, 0.0017%; no homozygotes.

Submissions (2):

Ambry Genetics
Classification: Uncertain significance for Cardiovascular phenotype; Hereditary cancer-predisposing syndrome. Last evaluated: 2026-05-05. Review status: criteria provided, single submitter. Criteria: Ambry Variant Classification Scheme 2023. Collection method: clinical testing. Allele origin: germline.
Comment: The p.L2294V variant (also known as c.6880C>G), located in coding exon 46 of the NF1 gene, results from a C to G substitution at nucleotide position 6880. The leucine at codon 2294 is replaced by valine, an amino acid with highly similar properties. This amino acid position is highly conserved in available vertebrate species. In addition, the in silico prediction for this alteration is inconclusive. Based on the available evidence, the clinical significance of this variant remains unclear.

Labcorp Genetics (formerly Invitae), Labcorp
Classification: Uncertain significance for Neurofibromatosis, type 1. Last evaluated: 2025-08-25. Review status: criteria provided, single submitter. Criteria: Invitae Variant Classification Sherloc (09022015). Collection method: clinical testing. Allele origin: germline.
Comment: This sequence change replaces leucine, which is neutral and non-polar, with valine, which is neutral and non-polar, at codon 2294 of the NF1 protein (p.Leu2294Val). This variant is present in population databases (no rsID available, gnomAD 0.003%). This variant has not been reported in the literature in individuals affected with NF1-related conditions. ClinVar contains an entry for this variant (Variation ID: 955259). Invitae Evidence Modeling of protein sequence and biophysical properties (such as structural, functional, and spatial information, amino acid conservation, physicochemical variation, residue mobility, and thermodynamic stability) has been performed for this missense variant. However, the output from this modeling did not meet the statistical confidence thresholds required to predict the impact of this variant on NF1 protein function. In summary, the available evidence is currently insufficient to determine the role of this variant in disease. Therefore, it has been classified as a Variant of Uncertain Significance.

NM_001042492.3(NF1):c.6943C>G (p.Leu2315Val)

Gene: NF1 (neurofibromin 1; plus strand). Cytogenetic location: 17q11.2.
Variant type: single nucleotide variant.
Coding change: c.6943C>G on transcript NM_001042492.3 (MANE Select); coding-DNA position 6943, C replaced by G.
Protein change: p.Leu2315Val; replaces leucine 2315 with valine.
Molecular consequence: missense variant.
Genome position (GRCh38, 1-based): chr17:31,340,526, C>G. VCF-style: chr17-31340526-C-G. GRCh37 (hg19) VCF-style: chr17-29667544-C-G.
Other names: c.6880C>G, p.Leu2294Val (NM_000267.4); short protein forms L2294V, L2315V.
Identifiers: ClinVar variation 955259 (VCV000955259.7), dbSNP rs1361377546, ClinGen allele CA399014885.
Genomic context (GRCh38, chr17:31,340,526, plus strand): 5'-GATTCATCTTACTAGCCTCAAACATATCTTCTTTGCCAGGACTCGCCTCTGCACAAAGCC[C>G]TCTTTTGGGTAGCTGTGGCTGTGCTGCAGCTTGATGAGGTCAACTTGTATTCAGCAGGTA-3'
Protein context (NP_001035957.1, residues 2305-2325): LNKDSPLHKA[Leu2315Val]FWVAVAVLQL